The following is an entry in ClinVar:

NM_177438.3(DICER1):c.4552G>A (p.Val1518Ile)

Gene: DICER1 (dicer 1, ribonuclease III; minus strand). Cytogenetic location: 14q32.13.
Variant type: single nucleotide variant.
Coding change: c.4552G>A on transcript NM_177438.3 (MANE Select); coding-DNA position 4552, G replaced by A.
Protein change: p.Val1518Ile; replaces valine 1518 with isoleucine.
Molecular consequence: missense variant.
Genome position (GRCh38, 1-based): chr14:95,096,368, C>T on the plus strand (G>A on the coding strand, the complement: DICER1 is on the minus strand). VCF-style: chr14-95096368-C-T. GRCh37 (hg19) VCF-style: chr14-95562705-C-T.
Other names: c.4552G>A, p.Val1518Ile (NM_001195573.1, NM_001271282.3, NM_001291628.2 and 1 more transcripts); short protein forms V1518I.
Identifiers: ClinVar variation 948737 (VCV000948737.11), dbSNP rs1890337018, ClinGen allele CA390867835.

ClinVar aggregate classification (germline): Uncertain significance (1 of 4 stars; one submission).

Conditions:
DICER1-related tumor predisposition. Also called: DICER1-related pleuropulmonary blastoma cancer predisposition syndrome; DICER1 syndrome. Identifiers: Orphanet 284343, MedGen C3839822, MONDO:0100216.

Submission:

Labcorp Genetics (formerly Invitae), Labcorp
Classification: Uncertain significance for DICER1-related tumor predisposition. Last evaluated: 2023-09-22. Review status: criteria provided, single submitter. Criteria: Invitae Variant Classification Sherloc (09022015). Collection method: clinical testing. Allele origin: germline.
Comment: In summary, the available evidence is currently insufficient to determine the role of this variant in disease. Therefore, it has been classified as a Variant of Uncertain Significance. An algorithm developed to predict the effect of missense changes on protein structure and function (PolyPhen-2) suggests that this variant is likely to be disruptive. ClinVar contains an entry for this variant (Variation ID: 948737). This variant has not been reported in the literature in individuals affected with DICER1-related conditions. This variant is not present in population databases (gnomAD no frequency). This sequence change replaces valine, which is neutral and non-polar, with isoleucine, which is neutral and non-polar, at codon 1518 of the DICER1 protein (p.Val1518Ile).